The following is an entry in ClinVar:

ClinVar aggregate classification (germline): Uncertain significance (1 of 4 stars; one submission).

Conditions:
Inborn genetic diseases. Identifiers: MedGen C0950123, MeSH D030342.

Submission:

Ambry Genetics
Classification: Uncertain significance for Inborn genetic diseases. Last evaluated: 2022-03-19. Review status: criteria provided, single submitter. Criteria: Ambry Variant Classification Scheme 2023. Collection method: clinical testing. Allele origin: germline.
Comment: The p.P1899L variant (also known as c.5696C>T), located in coding exon 33 of the ATR gene, results from a C to T substitution at nucleotide position 5696. The proline at codon 1899 is replaced by leucine, an amino acid with similar properties. This amino acid position is conserved. In addition, this alteration is predicted to be deleterious by in silico analysis. Since supporting evidence is limited at this time, the clinical significance of this alteration remains unclear.

NM_001184.4(ATR):c.5696C>T (p.Pro1899Leu)

Gene: ATR (ATR checkpoint kinase; minus strand). Cytogenetic location: 3q23.
Variant type: single nucleotide variant.
Coding change: c.5696C>T on transcript NM_001184.4 (MANE Select); coding-DNA position 5696, C replaced by T.
Protein change: p.Pro1899Leu; replaces proline 1899 with leucine.
Molecular consequence: missense variant.
Genome position (GRCh38, 1-based): chr3:142,497,055, G>A on the plus strand (C>T on the coding strand, the complement: ATR is on the minus strand). VCF-style: chr3-142497055-G-A. GRCh37 (hg19) VCF-style: chr3-142215897-G-A.
Other names: c.5504C>T, p.Pro1835Leu (NM_001354579.2); short protein forms P1835L, P1899L.
Identifiers: ClinVar variation 1749109 (VCV001749109.2), dbSNP rs2108335755, ClinGen allele CA354814512.